The following is an entry in ClinVar:

NM_005006.7(NDUFS1):c.2140G>A (p.Val714Ile)

Gene: NDUFS1 (NADH:ubiquinone oxidoreductase core subunit S1; minus strand). Cytogenetic location: 2q33.3.
Variant type: single nucleotide variant.
Coding change: c.2140G>A on transcript NM_005006.7 (MANE Select); coding-DNA position 2140, G replaced by A.
Protein change: p.Val714Ile; replaces valine 714 with isoleucine.
Molecular consequence: missense variant.
Genome position (GRCh38, 1-based): chr2:206,124,229, C>T on the plus strand (G>A on the coding strand, the complement: NDUFS1 is on the minus strand). VCF-style: chr2-206124229-C-T. GRCh37 (hg19) VCF-style: chr2-206988953-C-T.
Other names: c.2032G>A, p.Val678Ile (NM_001199981.2); c.1807G>A, p.Val603Ile (NM_001199982.2); c.1969G>A, p.Val657Ile (NM_001199983.2); c.2182G>A, p.Val728Ile (NM_001199984.2); short protein forms V603I, V657I, V678I, V714I, V728I.
Identifiers: ClinVar variation 1299429 (VCV001299429.6), dbSNP rs771012852, ClinGen allele CA2070247.
Genomic context (GRCh38, chr2:206,124,229, plus strand): 5'-GATCCTAGTAGAAGCTTCAGCATATGGATGGTTCCTCTACTGCCTGGGCACCCTCTGTGA[C>T]AGCTTTGACACATTTGGCCATTGTCTGTGAGGCTCTGCTAATTGAATCTGAAAGATATTA-3'
Protein context (NP_004997.4, residues 704-724): SQTMAKCVKA[Val714Ile]TEGAQAVEEP

ClinVar aggregate classification (germline): Uncertain significance. Review status: criteria provided, multiple submitters, no conflicts (2 of 4 stars). 2 submissions from 2 submitters: Uncertain significance (2). Last evaluated 2022-08-19.

Conditions:
Mitochondrial complex I deficiency, nuclear type 5. Also called: Mitochondrial complex 1 deficiency, nuclear type 5. Identifiers: MedGen C4748754, MONDO:0032610, OMIM 618226.

Allele frequency attached by ClinVar (database versions not stated): gnomAD exomes 0.00001 and below 0.00001; ExAC 0.00002.
gnomAD v4.1: 3 of 1,613,638 alleles (0.00019%); highest among the groups gnomAD compares: Non-Finnish European, 0.00017%; no homozygotes.

Submissions (2):

Labcorp Genetics (formerly Invitae), Labcorp
Classification: Uncertain significance. Last evaluated: 2022-08-19. Review status: criteria provided, single submitter. Criteria: Invitae Variant Classification Sherloc (09022015). Collection method: clinical testing. Allele origin: germline.
Comment: Algorithms developed to predict the effect of missense changes on protein structure and function (SIFT, PolyPhen-2, Align-GVGD) all suggest that this variant is likely to be tolerated. In summary, the available evidence is currently insufficient to determine the role of this variant in disease. Therefore, it has been classified as a Variant of Uncertain Significance. ClinVar contains an entry for this variant (Variation ID: 1299429). This variant has not been reported in the literature in individuals affected with NDUFS1-related conditions. This variant is present in population databases (rs771012852, gnomAD 0.003%). This sequence change replaces valine, which is neutral and non-polar, with isoleucine, which is neutral and non-polar, at codon 714 of the NDUFS1 protein (p.Val714Ile).

Breda Genetics srl
Classification: Uncertain significance for Mitochondrial complex I deficiency, nuclear type 5. Last evaluated: 2021-06-23. Review status: criteria provided, single submitter. Criteria: ACMG Guidelines, 2015. Collection method: clinical testing. Allele origin: germline. Inheritance: Autosomal recessive inheritance. Affected: yes. Observed: 1 variant allele, 1 heterozygote.
Comment: Based on allele frequency, in-silico prediction scores and a certain overlap with the clinical phenotype, we interpreted this variant at least as of uncertain significance. The lack of one or more of the following features has discouraged further investigations: lack of a possible second hit in autosomal recessive conditions, presence of healthy controls in databases for autosomal dominant conditions, presence of unmatching cardinal clinical features in the patient or in the known gene-disease association, and/or variant type outside the known gene mutational spectrum.